The following is an entry in ClinVar:

NM_000135.4(FANCA):c.1095G>C (p.Met365Ile)

Gene: FANCA (FA complementation group A; minus strand). Cytogenetic location: 16q24.3.
Variant type: single nucleotide variant.
Coding change: c.1095G>C on transcript NM_000135.4 (MANE Select); coding-DNA position 1095, G replaced by C.
Protein change: p.Met365Ile; replaces methionine 365 with isoleucine.
Molecular consequence: missense variant.
Genome position (GRCh38, 1-based): chr16:89,792,057, C>G on the plus strand (G>C on the coding strand, the complement: FANCA is on the minus strand). VCF-style: chr16-89792057-C-G. GRCh37 (hg19) VCF-style: chr16-89858465-C-G.
Other names: c.1095G>C, p.Met365Ile (NM_001286167.3); short protein forms M365I.
Identifiers: ClinVar variation 3709759 (VCV003709759.2).

ClinVar aggregate classification (germline): Uncertain significance (1 of 4 stars; one submission).

Conditions:
Fanconi anemia (FA). Also called: Fanconi's anemia. Identifiers: Orphanet 84, MedGen C0015625, MeSH D005199, MONDO:0019391.

Submission:

Labcorp Genetics (formerly Invitae), Labcorp
Classification: Uncertain significance for Fanconi anemia. Last evaluated: 2024-02-15. Review status: criteria provided, single submitter. Criteria: Invitae Variant Classification Sherloc (09022015). Collection method: clinical testing. Allele origin: germline.
Comment: This sequence change replaces methionine, which is neutral and non-polar, with isoleucine, which is neutral and non-polar, at codon 365 of the FANCA protein (p.Met365Ile). This variant is not present in population databases (gnomAD no frequency). This variant has not been reported in the literature in individuals affected with FANCA-related conditions. Advanced modeling of protein sequence and biophysical properties (such as structural, functional, and spatial information, amino acid conservation, physicochemical variation, residue mobility, and thermodynamic stability) performed at Invitae indicates that this missense variant is not expected to disrupt FANCA protein function with a negative predictive value of 80%. In summary, the available evidence is currently insufficient to determine the role of this variant in disease. Therefore, it has been classified as a Variant of Uncertain Significance.